The following is an entry in ClinVar:

NM_001347886.2(DNAH3):c.10122G>A (p.Trp3374Ter)

Gene: DNAH3 (dynein axonemal heavy chain 3; minus strand). Cytogenetic location: 16p12.3.
Variant type: single nucleotide variant.
Coding change: c.10122G>A on transcript NM_001347886.2 (MANE Select); coding-DNA position 10122, G replaced by A.
Protein change: p.Trp3374Ter; replaces tryptophan 3374 with a stop codon.
Molecular consequence: nonsense.
Genome position (GRCh38, 1-based): chr16:20,963,624, C>T on the plus strand (G>A on the coding strand, the complement: DNAH3 is on the minus strand). VCF-style: chr16-20963624-C-T. GRCh37 (hg19) VCF-style: chr16-20974946-C-T.
Other names: c.10260G>A, p.Trp3420Ter (NM_017539.2); short protein forms W3374*, W3420*.
Identifiers: ClinVar variation 2627627 (VCV002627627.2), dbSNP rs747426363, ClinGen allele CA7946097.

ClinVar aggregate classification (germline): Likely pathogenic (1 of 4 stars; one submission).

Conditions:
Spermatogenic failure 18. Identifiers: MedGen C4539783, MONDO:0054615, OMIM 617576.

Allele frequency attached by ClinVar (database versions not stated): gnomAD 0.00001; gnomAD exomes 0.00001; TOPMed 0.00001; ExAC 0.00002.
gnomAD v4.1: 11 of 1,613,884 alleles (0.00068%); highest among the groups gnomAD compares: East Asian, 0.016%; no homozygotes.

Submission:

Institute of Reproductive and Stem Cell Engineering, Central South University
Classification: Likely pathogenic for Spermatogenic failure 18. Last evaluated: 2023-10-26. Review status: criteria provided, single submitter. Criteria: Tu et al. (Clin Genet. 2020). Collection method: research. Allele origin: inherited. Inheritance: Autosomal recessive inheritance. Affected: yes. Observed: 1 compound heterozygote.
Comment: The DNAH3 variant (Trp3420X) was shown to be highly conserved across multiple species and recorded as absent and predicted to be deleterious via in silico bioinformatics databases. Three-dimensional modelling of the DNAH3 protein showed that this mutation disrupted hydrogen bonds and altered the distance between atoms of adjacent amino acids, which is likely to disrupt protein stability and function. Western blot have showed that expression of DNAH3 protein was decressed in the spermatozoa from the patient. In addition, the two Dnah3 knockout mice lines generated in our experiments recapitulated asthenoteratozoospermia similar to the patient. In summary, the variant (Trp3420X) meets our criteria to be classifiedas likely pathogenic based upon segregation studies, bioinformatics prediction in silico, and functional experiment evidence.